The following is an entry in ClinVar:

NM_006206.6(PDGFRA):c.151G>A (p.Gly51Arg)

Gene: PDGFRA (platelet derived growth factor receptor alpha; plus strand). Cytogenetic location: 4q12.
Variant type: single nucleotide variant.
Coding change: c.151G>A on transcript NM_006206.6 (MANE Select); coding-DNA position 151, G replaced by A.
Protein change: p.Gly51Arg; replaces glycine 51 with arginine.
Molecular consequence: missense variant.
Genome position (GRCh38, 1-based): chr4:54,261,196, G>A. VCF-style: chr4-54261196-G-A. GRCh37 (hg19) VCF-style: chr4-55127363-G-A.
Other names: c.151G>A, p.Gly51Arg (NM_001347827.2, NM_001347829.2); c.226G>A, p.Gly76Arg (NM_001347828.2); c.190G>A, p.Gly64Arg (NM_001347830.2); short protein forms G51R, G76R, G64R.
Identifiers: ClinVar variation 2003195 (VCV002003195.4), dbSNP rs1722684271, ClinGen allele CA356888355.

ClinVar aggregate classification (germline): Uncertain significance (1 of 4 stars; one submission).

Conditions:
Gastrointestinal stromal tumor. Also called: Gastrointestinal stroma tumor; Gastrointestinal stromal tumor, somatic. Identifiers: Orphanet 44890, MedGen C0238198, MeSH D046152, MONDO:0011719, OMIM 606764, HP:0100723.

Submission:

Labcorp Genetics (formerly Invitae), Labcorp
Classification: Uncertain significance for Gastrointestinal stromal tumor. Last evaluated: 2022-06-08. Review status: criteria provided, single submitter. Criteria: Invitae Variant Classification Sherloc (09022015). Collection method: clinical testing. Allele origin: germline.
Comment: In summary, the available evidence is currently insufficient to determine the role of this variant in disease. Therefore, it has been classified as a Variant of Uncertain Significance. Algorithms developed to predict the effect of sequence changes on RNA splicing suggest that this variant may disrupt the consensus splice site. Algorithms developed to predict the effect of missense changes on protein structure and function are either unavailable or do not agree on the potential impact of this missense change (SIFT: "Deleterious"; PolyPhen-2: "Probably Damaging"; Align-GVGD: "Class C0"). This variant has not been reported in the literature in individuals affected with PDGFRA-related conditions. This variant is not present in population databases (gnomAD no frequency). This sequence change replaces glycine, which is neutral and non-polar, with arginine, which is basic and polar, at codon 51 of the PDGFRA protein (p.Gly51Arg).